The following is an entry in ClinVar:

NM_001378183.1(PIEZO2):c.4755G>C (p.Glu1585Asp)

Gene: PIEZO2 (piezo type mechanosensitive ion channel component 2; minus strand). Cytogenetic location: 18p11.22.
Variant type: single nucleotide variant.
Coding change: c.4755G>C on transcript NM_001378183.1 (MANE Select); coding-DNA position 4755, G replaced by C.
Protein change: p.Glu1585Asp; replaces glutamic acid 1585 with aspartic acid.
Molecular consequence: missense variant.
Genome position (GRCh38, 1-based): chr18:10,736,664, C>G on the plus strand (G>C on the coding strand, the complement: PIEZO2 is on the minus strand). VCF-style: chr18-10736664-C-G. GRCh37 (hg19) VCF-style: chr18-10736662-C-G.
Other names: c.4755G>C, p.Glu1585Asp (NM_001410871.1); c.4680G>C, p.Glu1560Asp (NM_022068.4); c.4680G>C (NM_022068.2); short protein forms E1560D, E1585D.
Identifiers: ClinVar variation 2696270 (VCV002696270.4), dbSNP rs762729542, ClinGen allele CA8892398.

ClinVar aggregate classification (germline): Uncertain significance. Review status: criteria provided, multiple submitters, no conflicts (2 of 4 stars). 2 submissions from 2 submitters: Uncertain significance (2). Last evaluated 2024-08-27.

Conditions:
Inborn genetic diseases. Identifiers: MedGen C0950123, MeSH D030342.

Allele frequency attached by ClinVar (database versions not stated): gnomAD exomes 0.00002; gnomAD 0.00005; TOPMed 0.00007.
gnomAD v4.1: 39 of 1,536,900 alleles (0.0025%); highest among the groups gnomAD compares: Middle Eastern, 0.017%; no homozygotes.

Submissions (2):

Ambry Genetics
Classification: Uncertain significance for Inborn genetic diseases. Last evaluated: 2024-08-27. Review status: criteria provided, single submitter. Criteria: Ambry Variant Classification Scheme 2023. Collection method: clinical testing. Allele origin: germline.

Labcorp Genetics (formerly Invitae), Labcorp
Classification: Uncertain significance. Last evaluated: 2023-07-06. Review status: criteria provided, single submitter. Criteria: Invitae Variant Classification Sherloc (09022015). Collection method: clinical testing. Allele origin: germline.
Comment: This sequence change replaces glutamic acid, which is acidic and polar, with aspartic acid, which is acidic and polar, at codon 1560 of the PIEZO2 protein (p.Glu1560Asp). This variant is present in population databases (rs762729542, gnomAD 0.004%). This variant has not been reported in the literature in individuals affected with PIEZO2-related conditions. Advanced modeling of protein sequence and biophysical properties (such as structural, functional, and spatial information, amino acid conservation, physicochemical variation, residue mobility, and thermodynamic stability) performed at Invitae indicates that this missense variant is not expected to disrupt PIEZO2 protein function. In summary, the available evidence is currently insufficient to determine the role of this variant in disease. Therefore, it has been classified as a Variant of Uncertain Significance.